The following is an entry in ClinVar:

ClinVar aggregate classification (germline): Conflicting classifications of pathogenicity. Review status: criteria provided, conflicting classifications (1 of 4 stars). 5 submissions from 5 submitters: Pathogenic (3); Likely pathogenic (1); Uncertain significance (1). Last evaluated 2024-12-18.

Conditions:
Autosomal recessive limb-girdle muscular dystrophy type 2J (LGMDR10). Also called: Limb-girdle muscular dystrophy, type 2J; MUSCULAR DYSTROPHY, LIMB-GIRDLE, AUTOSOMAL RECESSIVE 10. Identifiers: Orphanet 140922, MedGen C1837342, MONDO:0012127, OMIM 608807.
Dilated cardiomyopathy 1G (CMD1G). Identifiers: Orphanet 154, MedGen C1858763, MONDO:0011400, OMIM 604145.
TTN-related myopathy. Identifiers: MedGen CN294812, MONDO:0100175.

Allele frequency attached by ClinVar (database versions not stated): gnomAD exomes below 0.00001.
gnomAD v4.1: 1 of 1,586,134 alleles (0.000063%); highest among the groups gnomAD compares: Non-Finnish European, 0.000086%; no homozygotes.

Submissions (5):

Genomic Medicine Center of Excellence, King Faisal Specialist Hospital and Research Centre
Classification: Likely pathogenic for Dilated cardiomyopathy 1G. Last evaluated: 2024-12-18. Review status: criteria provided, single submitter. Criteria: ACMG Guidelines, 2015. Collection method: clinical testing. Allele origin: germline.

Labcorp Genetics (formerly Invitae), Labcorp
Classification: Pathogenic for Dilated cardiomyopathy 1G; Autosomal recessive limb-girdle muscular dystrophy type 2J. Last evaluated: 2024-10-18. Review status: criteria provided, single submitter. Criteria: Invitae Variant Classification Sherloc (09022015). Collection method: clinical testing. Allele origin: germline.
Comment: This sequence change affects a donor splice site in intron 52 of the TTN gene. It is expected to disrupt RNA splicing and likely results in a truncated or disrupted TTN protein. This variant is present in population databases (no rsID available, gnomAD 0.0009%). Disruption of this splice site has been observed in individual(s) with autosomal recessive centronuclear myopathy (PMID: 23975875). In at least one individual the data is consistent with being in trans (on the opposite chromosome) from a pathogenic variant. ClinVar contains an entry for this variant (Variation ID: 404903). Algorithms developed to predict the effect of sequence changes on RNA splicing suggest that this variant may disrupt the consensus splice site. This variant is located in the I band of TTN (PMID: 25589632). Truncating variants in this region have been reported in individuals affected with autosomal recessive centronuclear myopathy (PMID: 23975875, internal data). Truncating variants in this region have also been identified in individuals affected with autosomal dominant dilated cardiomyopathy and/or cardio-related conditions (PMID: 27869827, 32964742, internal data). For these reasons, this variant has been classified as Pathogenic.

Victorian Clinical Genetics Services, Murdoch Childrens Research Institute
Classification: Pathogenic for TTN-related myopathy. Last evaluated: 2022-03-31. Review status: criteria provided, single submitter. Criteria: ACMG Guidelines, 2015. Collection method: clinical testing. Allele origin: germline. Affected: yes.
Comment: Based on the classification scheme VCGS_Germline_v1.3.4, this variant is classified as Pathogenic. Following criteria are met: 0102 - Loss of function is known mechanism of disease in this gene. In addition, dominant-negative is also a suggested mechanism (PMID: 25589632). (I) 0108 - This gene is associated with both recessive and dominant disease (OMIM). (I) 0112 - The condition associated with this gene has incomplete penetrance. Variants in this gene that result in a premature truncating codon (PTC) are known to have reduced penetrance in DCM (PMID: 25589632). (I) 0211 - Canonical splice site variant without proven consequence on splicing (no functional evidence available). (SP) 0251 - This variant is heterozygous. (I) 0302 - Variant is present in gnomAD (v2) <0.001 (1 heterozygote, 0 homozygotes). (SP) 0505 - Abnormal splicing is predicted by in silico tools and affected nucleotide is highly conserved. (SP) 0600 - Variant is located between exons within the annotated N-terminal I-band, which have PSI scores between 7 and 10 (PMID: 25589632). (I) 0703 - Another canonical splice variant comparable to the one identified in this case has moderate previous evidence for pathogenicity. This variant (c.15496+1G>A) has been reported as pathogenic and likely pathogenic, and observed in several compound heterozygous individuals with centronuclear myopathy (CM) or congenital titanopathy, with or without multiminicore disease (ClinVar, PMID: 23975875, PMID: 29691892, PMID: 31053406). (SP) 0803 - This variant has limited previous evidence of pathogenicity in unrelated individuals. This variant has been reported as pathogenic, likely pathogenic and as a VUS, and observed in at least two individuals with either limb girdle muscular dystrophy or congenital CM. The individual with congenital CM was heterozygous, with no identified variant in trans (ClinVar, personal communication). (SP) 0905 - No published segregation evidence has been identified for this variant. (I) 1007 - No published functional evidence has been identified for this variant. (I) Legend: (SP) - Supporting pathogenic, (I) - Information, (SB) - Supporting benign

CeGaT Center for Human Genetics Tuebingen
Classification: Uncertain significance. Last evaluated: 2020-06-01. Review status: criteria provided, single submitter. Criteria: CeGaT Center For Human Genetics Tuebingen Variant Classification Criteria Version 2. Collection method: clinical testing. Allele origin: germline. Affected: yes. Observed: 1 variant allele.

Baylor Genetics
Classification: Pathogenic for Autosomal recessive limb-girdle muscular dystrophy type 2J. Last evaluated: 2019-11-04. Review status: criteria provided, single submitter. Criteria: ACMG Guidelines, 2015. Collection method: clinical testing. Allele origin: unknown. Affected: yes.
Comment: This variant was determined to be pathogenic according to ACMG Guidelines, 2015 [PMID:25741868].

Literature cited by the submitters: PubMed 23975875 (cited by Labcorp Genetics (formerly Invitae), Labcorp and Victorian Clinical Genetics Services, Murdoch Childrens Research Institute); PubMed 25589632 (cited by Labcorp Genetics (formerly Invitae), Labcorp and Victorian Clinical Genetics Services, Murdoch Childrens Research Institute); PubMed 27869827 (cited by Labcorp Genetics (formerly Invitae), Labcorp); PubMed 32964742 (cited by Labcorp Genetics (formerly Invitae), Labcorp); PubMed 29691892 (cited by Victorian Clinical Genetics Services, Murdoch Childrens Research Institute); PubMed 31053406 (cited by Victorian Clinical Genetics Services, Murdoch Childrens Research Institute).

NM_001267550.2(TTN):c.15496+1G>T

Gene: TTN (titin; minus strand). Cytogenetic location: 2q31.2.
Variant type: single nucleotide variant.
Coding change: c.15496+1G>T on transcript NM_001267550.2 (MANE Select); the canonical splice donor site of the intron after coding-DNA position 15496, G replaced by T.
Molecular consequence: splice donor variant. On other transcripts: intron variant (3).
Genome position (GRCh38, 1-based): chr2:178,734,327, C>A on the plus strand (G>T on the coding strand, the complement: TTN is on the minus strand). VCF-style: chr2-178734327-C-A. GRCh37 (hg19) VCF-style: chr2-179599054-C-A.
Other names: c.13282+3755G>T (NM_003319.4); c.13858+3755G>T (NM_133437.4); c.13657+3755G>T (NM_133432.3); c.11764+1G>T (NM_133378.4); c.14545+1G>T (NM_001256850.1); c.15496+1G>T (NM_001267550.1).
Identifiers: ClinVar variation 404903 (VCV000404903.41), dbSNP rs397517481, ClinGen allele CA16610517.
Genomic context (GRCh38, chr2:178,734,327, plus strand): 5'-ATGGGGTAAGAAAGCTAGTTTGACAATTTATTAAAGAGACATTAGTTTTTCAAGCACTAA[C>A]CTTTGAGTAAGTGGGTTGCCATGCAGCCACACTTGCCGACTTCATTAGCAACAACACATT-3'